The following is an entry in ClinVar:

NM_004656.4(BAP1):c.1393A>T (p.Ile465Phe)

Gene: BAP1 (BRCA1 associated deubiquitinase 1; minus strand). Cytogenetic location: 3p21.1.
Variant type: single nucleotide variant.
Coding change: c.1393A>T on transcript NM_004656.4 (MANE Select); coding-DNA position 1393, A replaced by T.
Protein change: p.Ile465Phe; replaces isoleucine 465 with phenylalanine.
Molecular consequence: missense variant.
Genome position (GRCh38, 1-based): chr3:52,403,752, T>A on the plus strand (A>T on the coding strand, the complement: BAP1 is on the minus strand). VCF-style: chr3-52403752-T-A. GRCh37 (hg19) VCF-style: chr3-52437768-T-A.
Other names: c.1339A>T, p.Ile447Phe (NM_001410772.1); short protein forms I447F, I465F.
Identifiers: ClinVar variation 3477942 (VCV003477942.1).
Genomic context (GRCh38, chr3:52,403,752, plus strand): 5'-AGGGCTGCGAGTGTGTGGGCACTGCCACAGCCGGACTCCCAGCCCCGCTGCTAGTCTTGA[T>A]GGACAGAGGAATTGAGAGGTCCTTCTGGGACTCTTTGAGCTTCTCAGCCAAGACGTTGAT-3'
Protein context (NP_004647.1, residues 455-475): SQKDLSIPLS[Ile465Phe]KTSSGAGSPA

ClinVar aggregate classification (germline): Uncertain significance (1 of 4 stars; one submission).

Conditions:
Hereditary cancer-predisposing syndrome. Also called: Tumor predisposition; Neoplastic Syndromes, Hereditary; Hereditary neoplastic syndrome; Hereditary Cancer Syndrome. Identifiers: Orphanet 140162, MedGen C0027672, MeSH D009386, MONDO:0015356.

Submission:

Ambry Genetics
Classification: Uncertain significance for Hereditary cancer-predisposing syndrome. Last evaluated: 2024-11-22. Review status: criteria provided, single submitter. Criteria: Ambry Variant Classification Scheme 2023. Collection method: clinical testing. Allele origin: germline.
Comment: The p.I465F variant (also known as c.1393A>T), located in coding exon 13 of the BAP1 gene, results from an A to T substitution at nucleotide position 1393. The isoleucine at codon 465 is replaced by phenylalanine, an amino acid with highly similar properties. This amino acid position is conserved. In addition, this alteration is predicted to be tolerated by in silico analysis. Based on the available evidence, the clinical significance of this variant remains unclear.